The following is an entry in ClinVar:

NM_015450.3(POT1):c.1495C>T (p.His499Tyr)

Gene: POT1 (protection of telomeres 1; minus strand). Cytogenetic location: 7q31.33.
Variant type: single nucleotide variant.
Coding change: c.1495C>T on transcript NM_015450.3 (MANE Select); coding-DNA position 1495, C replaced by T.
Protein change: p.His499Tyr; replaces histidine 499 with tyrosine.
Molecular consequence: missense variant. On other transcripts: non-coding transcript variant (3).
Genome position (GRCh38, 1-based): chr7:124,835,289, G>A on the plus strand (C>T on the coding strand, the complement: POT1 is on the minus strand). VCF-style: chr7-124835289-G-A. GRCh37 (hg19) VCF-style: chr7-124475343-G-A.
Other names: c.1102C>T, p.His368Tyr (NM_001042594.2); short protein forms H368Y, H499Y.
Identifiers: ClinVar variation 1773873 (VCV001773873.3), dbSNP rs770134109, ClinGen allele CA4465108.

ClinVar aggregate classification (germline): Uncertain significance (1 of 4 stars; one submission).

Conditions:
Hereditary cancer-predisposing syndrome. Also called: Hereditary Cancer Syndrome; Hereditary neoplastic syndrome; Neoplastic Syndromes, Hereditary; Tumor predisposition. Identifiers: Orphanet 140162, MedGen C0027672, MeSH D009386, MONDO:0015356.

Allele frequency attached by ClinVar (database versions not stated): gnomAD exomes below 0.00001; ExAC 0.00001; TOPMed 0.00002; gnomAD 0.00003.
gnomAD v4.1: 5 of 1,613,678 alleles (0.00031%); highest among the groups gnomAD compares: African/African-American, 0.0053%; no homozygotes.

Submission:

Ambry Genetics
Classification: Uncertain significance for Hereditary cancer-predisposing syndrome. Last evaluated: 2025-10-31. Review status: criteria provided, single submitter. Criteria: Ambry Variant Classification Scheme 2023. Collection method: clinical testing. Allele origin: germline.
Comment: The p.H499Y variant (also known as c.1495C>T), located in coding exon 11 of the POT1 gene, results from a C to T substitution at nucleotide position 1495. The histidine at codon 499 is replaced by tyrosine, an amino acid with similar properties. This alteration was identified in 1 of 2928 melanoma cases and 0 of 3298 controls (Simonin-Wilmer I et al, J Med Genet 2023 Jul;60(7):692-696). This amino acid position is not well conserved in available vertebrate species. In addition, this alteration is predicted to be tolerated by in silico analysis. Since supporting evidence is limited at this time, the clinical significance of this alteration remains unclear.